The following is an entry in ClinVar:

ClinVar aggregate classification (germline): Uncertain significance (1 of 4 stars; one submission).

Conditions:
Neurofibromatosis, type 1 (NF1). Also called: Neurofibromatosis, type I; VON RECKLINGHAUSEN DISEASE; Peripheral type neurofibromatosis; NEUROFIBROMATOSIS, TYPE I, SOMATIC. Identifiers: Orphanet 636, MedGen C0027831, MONDO:0018975, OMIM 162200. Disease mechanism: loss of function.

Submission:

Labcorp Genetics (formerly Invitae), Labcorp
Classification: Uncertain significance for Neurofibromatosis, type 1. Last evaluated: 2019-03-26. Review status: criteria provided, single submitter. Criteria: Invitae Variant Classification Sherloc (09022015). Collection method: clinical testing. Allele origin: germline.
Comment: This sequence change replaces proline with alanine at codon 1323 of the NF1 protein (p.Pro1323Ala). The proline residue is moderately conserved and there is a small physicochemical difference between proline and alanine. In summary, the available evidence is currently insufficient to determine the role of this variant in disease. Therefore, it has been classified as a Variant of Uncertain Significance. Algorithms developed to predict the effect of missense changes on protein structure and function are either unavailable or do not agree on the potential impact of this missense change (SIFT: "Deleterious"; PolyPhen-2: "Benign"; Align-GVGD: "Class C0"). This variant has not been reported in the literature in individuals with NF1-related conditions. This variant is not present in population databases (ExAC no frequency).

NM_001042492.3(NF1):c.3967C>G (p.Pro1323Ala)

Gene: NF1 (neurofibromin 1; plus strand). Cytogenetic location: 17q11.2.
Variant type: single nucleotide variant.
Coding change: c.3967C>G on transcript NM_001042492.3 (MANE Select); coding-DNA position 3967, C replaced by G.
Protein change: p.Pro1323Ala; replaces proline 1323 with alanine.
Molecular consequence: missense variant.
Genome position (GRCh38, 1-based): chr17:31,236,014, C>G. VCF-style: chr17-31236014-C-G. GRCh37 (hg19) VCF-style: chr17-29563032-C-G.
Other names: c.3967C>G, p.Pro1323Ala (NM_000267.4); short protein forms P1323A.
Identifiers: ClinVar variation 862143 (VCV000862143.6), dbSNP rs2067195656, ClinGen allele CA398993333.
Genomic context (GRCh38, chr17:31,236,014, plus strand): 5'-CCTTTATTACGAATTGTGATCACATCCTCTGATTGGCAACATGTTAGCTTTGAAGTGGAT[C>G]CTACCAGGTTTGTCATCTTTTCACATAGAACCGCTGTTTTTTGTTTTTTTTTTTTTGTTT-3'
Protein context (NP_001035957.1, residues 1313-1333): DWQHVSFEVD[Pro1323Ala]TRLEPSESLE